The following is an entry in ClinVar:

ClinVar aggregate classification (germline): Likely benign (0 of 4 stars; one submission).

Conditions:
SFTPA2-related disorder. Also called: SFTPA2-related condition.

Allele frequency attached by ClinVar (database versions not stated): ExAC 0.00001.

Submission:

PreventionGenetics, part of Exact Sciences
Classification: Likely benign for SFTPA2-related condition. Last evaluated: 2020-07-14. Review status: no assertion criteria provided. Collection method: clinical testing. Allele origin: germline.
Comment: This variant is classified as likely benign based on ACMG/AMP sequence variant interpretation guidelines (Richards et al. 2015 PMID: 25741868, with internal and published modifications).

NM_001098668.4(SFTPA2):c.72C>T (p.Asp24=)

Gene: SFTPA2 (surfactant protein A2; minus strand). Cytogenetic location: 10q22.3.
Variant type: single nucleotide variant.
Coding change: c.72C>T on transcript NM_001098668.4 (MANE Select); coding-DNA position 72, C replaced by T.
Protein change: p.Asp24=; no amino-acid change (aspartic acid 24 retained).
Molecular consequence: synonymous variant.
Genome position (GRCh38, 1-based): chr10:79,559,412, G>A on the plus strand (C>T on the coding strand, the complement: SFTPA2 is on the minus strand). VCF-style: chr10-79559412-G-A. GRCh37 (hg19) VCF-style: chr10-81319168-G-A.
Other names: c.72C>T, p.Asp24= (NM_005411.1, NM_006926.2, NM_001320813.2); c.102C>T, p.Asp34= (NM_001320814.1).
Identifiers: ClinVar variation 3036922 (VCV003036922.2), dbSNP rs757600924, ClinGen allele CA5574216.